The following is an entry in ClinVar:

NM_004260.4(RECQL4):c.2272C>T (p.Arg758Ter)

Gene: RECQL4 (RecQ like helicase 4; minus strand). Cytogenetic location: 8q24.3.
Variant type: single nucleotide variant.
Coding change: c.2272C>T on transcript NM_004260.4 (MANE Select); coding-DNA position 2272, C replaced by T.
Protein change: p.Arg758Ter; replaces arginine 758 with a stop codon.
Molecular consequence: nonsense.
Genome position (GRCh38, 1-based): chr8:144,513,409, G>A on the plus strand (C>T on the coding strand, the complement: RECQL4 is on the minus strand). VCF-style: chr8-144513409-G-A. GRCh37 (hg19) VCF-style: chr8-145738793-G-A.
Other names: short protein forms R758*.
Identifiers: ClinVar variation 489031 (VCV000489031.8), dbSNP rs758790200, ClinGen allele CA4948352.

ClinVar aggregate classification (germline): Pathogenic/Likely pathogenic. Review status: criteria provided, multiple submitters, no conflicts (2 of 4 stars). 2 submissions from 2 submitters: Pathogenic (1); Likely pathogenic (1). Last evaluated 2025-07-10.

Conditions:
Baller-Gerold syndrome (BGS). Also called: CRANIOSYNOSTOSIS WITH RADIAL DEFECTS. Identifiers: Orphanet 1225, MedGen C0265308, MONDO:0009039, OMIM 218600.

Allele frequency attached by ClinVar (database versions not stated): ExAC 0.00002; gnomAD 0.00003; gnomAD exomes 0.00003.
gnomAD v4.1: 37 of 1,608,626 alleles (0.0023%); highest among the groups gnomAD compares: South Asian, 0.0044%; no homozygotes.

Submissions (2):

Labcorp Genetics (formerly Invitae), Labcorp
Classification: Pathogenic for Baller-Gerold syndrome. Last evaluated: 2025-07-10. Review status: criteria provided, single submitter. Criteria: Invitae Variant Classification Sherloc (09022015). Collection method: clinical testing. Allele origin: germline.
Comment: This sequence change creates a premature translational stop signal (p.Arg758*) in the RECQL4 gene. It is expected to result in an absent or disrupted protein product. Loss-of-function variants in RECQL4 are known to be pathogenic (PMID: 12734318, 12952869). The frequency data for this variant in the population databases is considered unreliable, as metrics indicate poor data quality at this position in the gnomAD database. This premature translational stop signal has been observed in individual(s) with ovarian cancer (PMID: 30306255). ClinVar contains an entry for this variant (Variation ID: 489031). Algorithms developed to predict the effect of sequence changes on RNA splicing suggest that this variant may create or strengthen a splice site. For these reasons, this variant has been classified as Pathogenic.

GeneDx
Classification: Likely pathogenic. Last evaluated: 2017-07-25. Review status: criteria provided, single submitter. Criteria: GeneDx Variant Classification (06012015). Collection method: clinical testing. Allele origin: germline. Affected: yes.
Comment: The R758X variant in the RECQL4 gene has been reported previously in two siblings with Rothmund-Thomson syndrome, with the phenotype mainly restricted to the skin, who were compound heterozygous for the R758X variant and another RECQL4 variant (Colombo et al., 2017). This variant is predicted to cause loss of normal protein function either through protein truncation or nonsense-mediated mRNA decay. The R758X variant is not observed at a significant frequency in large population cohorts (Lek et al., 2016; 1000 Genomes Consortium et al., 2015; Exome Variant Server). We interpret R758X as a likely pathogenic variant.

Literature cited by the submitters: PubMed 12734318 (cited by Labcorp Genetics (formerly Invitae), Labcorp); PubMed 12952869 (cited by Labcorp Genetics (formerly Invitae), Labcorp); PubMed 30306255 (cited by Labcorp Genetics (formerly Invitae), Labcorp).